The following is an entry in ClinVar:

ClinVar aggregate classification (germline): Likely benign. Review status: criteria provided, multiple submitters, no conflicts (2 of 4 stars). 2 submissions from 2 submitters: Likely benign (2). Last evaluated 2024-03-02.

Conditions:
Malignant hyperthermia, susceptibility to, 1 (MHS1). Also called: Malignant hyperthermia suceptibility 1; Anesthesia related hyperthermia; Malignant hyperpyrexia; Fulminating hyperpyrexia; Pharmacogenic myopathy; RYR1-Related Malignant Hyperthermia Susceptibility. Identifiers: Orphanet 423, MedGen C2930980, MONDO:0007783, OMIM 145600.
RYR1-related disorder. Also called: RYR1-related condition; RYR1-related disorders. Identifiers: MedGen CN239331.

Allele frequency attached by ClinVar (database versions not stated): gnomAD 0.00001; gnomAD exomes 0.00001.
gnomAD v4.1: 3 of 1,614,016 alleles (0.00019%); highest among the groups gnomAD compares: Admixed American, 0.005%; no homozygotes.

Submissions (2):

Labcorp Genetics (formerly Invitae), Labcorp
Classification: Likely benign for RYR1-related disorder. Last evaluated: 2024-03-02. Review status: criteria provided, single submitter. Criteria: Invitae Variant Classification Sherloc (09022015). Collection method: clinical testing. Allele origin: germline.

All of Us Research Program, National Institutes of Health
Classification: Likely benign for Malignant hyperthermia, susceptibility to, 1. Last evaluated: 2023-12-01. Review status: criteria provided, single submitter. Criteria: ACMG Guidelines, 2015. Collection method: clinical testing. Allele origin: germline. Inheritance: Autosomal dominant inheritance. Observed: 2 variant alleles, 2 heterozygotes.
Comment: This study involves interpretation of variants in research participants for the purpose of population health screening. Participant phenotype was not available at the time of variant classification. Additional details can be found in publication PMID: 35346344, PMCID: PMC8962531

NM_000540.3(RYR1):c.12095-8G>A

Gene: RYR1 (ryanodine receptor 1; plus strand). Cytogenetic location: 19q13.2.
Variant type: single nucleotide variant.
Coding change: c.12095-8G>A on transcript NM_000540.3 (MANE Select); 8 bases into the intron before coding-DNA position 12095, G replaced by A.
Molecular consequence: intron variant.
Genome position (GRCh38, 1-based): chr19:38,548,225, G>A. VCF-style: chr19-38548225-G-A. GRCh37 (hg19) VCF-style: chr19-39038865-G-A.
Other names: c.12080-8G>A (NM_001042723.2).
Identifiers: ClinVar variation 1587461 (VCV001587461.9), dbSNP rs1337974292, ClinGen allele CA632870519.
Genomic context (GRCh38, chr19:38,548,225, plus strand): 5'-AGAGGCAAGCCTGGTGGGGCCCCAGAAGGGAGTGTTCACCGGCCACACTGACCTGGGGCT[G>A]CCTGCAGGGAACGTGGTGAACGGCATGATCGCCCGGCAGATGGTGGACATGCTCGTGGAA-3'